The following is an entry in ClinVar:

ClinVar aggregate classification (germline): Uncertain significance. Review status: criteria provided, multiple submitters, no conflicts (2 of 4 stars). 2 submissions from 2 submitters: Uncertain significance (2). Last evaluated 2023-05-26.

Conditions:
Inborn genetic diseases. Identifiers: MedGen C0950123, MeSH D030342.

Allele frequency attached by ClinVar (database versions not stated): gnomAD 0.00003; gnomAD exomes 0.00003 and 0.00006; TOPMed 0.00004; ExAC 0.00005; ESP Exome Variant Server 0.00008.
gnomAD v4.1: 45 of 1,614,014 alleles (0.0028%); highest among the groups gnomAD compares: Admixed American, 0.0033%; no homozygotes.

Submissions (2):

Ambry Genetics
Classification: Uncertain significance for Inborn genetic diseases. Last evaluated: 2023-05-26. Review status: criteria provided, single submitter. Criteria: Ambry Variant Classification Scheme 2023. Collection method: clinical testing. Allele origin: germline.

Labcorp Genetics (formerly Invitae), Labcorp
Classification: Uncertain significance. Last evaluated: 2022-08-23. Review status: criteria provided, single submitter. Criteria: Invitae Variant Classification Sherloc (09022015). Collection method: clinical testing. Allele origin: germline.
Comment: This sequence change replaces tyrosine, which is neutral and polar, with histidine, which is basic and polar, at codon 133 of the PHYH protein (p.Tyr133His). This variant is present in population databases (rs367762012, gnomAD 0.009%). This variant has not been reported in the literature in individuals affected with PHYH-related conditions. ClinVar contains an entry for this variant (Variation ID: 1375174). Algorithms developed to predict the effect of missense changes on protein structure and function are either unavailable or do not agree on the potential impact of this missense change (SIFT: "Deleterious"; PolyPhen-2: "Probably Damaging"; Align-GVGD: "Class C0"). In summary, the available evidence is currently insufficient to determine the role of this variant in disease. Therefore, it has been classified as a Variant of Uncertain Significance.

NM_006214.4(PHYH):c.397T>C (p.Tyr133His)

Gene: PHYH (phytanoyl-CoA 2-hydroxylase; minus strand). Cytogenetic location: 10p13.
Variant type: single nucleotide variant.
Coding change: c.397T>C on transcript NM_006214.4 (MANE Select); coding-DNA position 397, T replaced by C.
Protein change: p.Tyr133His; replaces tyrosine 133 with histidine.
Molecular consequence: missense variant.
Genome position (GRCh38, 1-based): chr10:13,294,445, A>G on the plus strand (T>C on the coding strand, the complement: PHYH is on the minus strand). VCF-style: chr10-13294445-A-G. GRCh37 (hg19) VCF-style: chr10-13336445-A-G.
Other names: c.97T>C, p.Tyr33His (NM_001037537.2, NM_001323080.2, NM_001323084.2); c.397T>C, p.Tyr133His (NM_001323082.2, NM_001323083.2); c.397T>C (NM_006214.3); short protein forms Y133H, Y33H.
Identifiers: ClinVar variation 1375174 (VCV001375174.4), dbSNP rs367762012, ClinGen allele CA5412396.